The following is an entry in ClinVar:

ClinVar aggregate classification (germline): Likely benign. Review status: criteria provided, multiple submitters, no conflicts (2 of 4 stars). 3 submissions from 3 submitters: Likely benign (3). Last evaluated 2025-10-01.

Conditions:
Inborn genetic diseases. Identifiers: MedGen C0950123, MeSH D030342.

gnomAD v4.1: 81 of 1,614,100 alleles (0.005%); highest among the groups gnomAD compares: Admixed American, 0.023%; no homozygotes.

Submissions (4):

CeGaT Center for Human Genetics Tuebingen
Classification: Likely benign. Last evaluated: 2025-10-01. Review status: criteria provided, single submitter. Criteria: CeGaT Center For Human Genetics Tuebingen Variant Classification Criteria Version 2. Collection method: clinical testing. Allele origin: germline. Affected: yes. Observed: 1 variant allele.
Comment: LIPE: BP4, BP7

Ambry Genetics
Classification: Likely benign for Inborn genetic diseases. Last evaluated: 2024-11-11. Review status: criteria provided, single submitter. Criteria: Ambry Variant Classification Scheme 2023. Collection method: clinical testing. Allele origin: germline.

Blueprint Genetics
Classification: Likely benign. Last evaluated: 2024-10-16. Review status: criteria provided, single submitter. Criteria: ACMG Guidelines, 2015. Collection method: clinical testing. Allele origin: germline.

Dr. Peter K. Rogan Lab, Western University
No classification provided (evidence only). Condition: Uterine corpus endometrial carcinoma. Review status: no classification provided. Collection method: in vitro. Allele origin: not applicable. Functional consequence: retained intron. Not counted in ClinVar's aggregate classification.

NM_005357.4(LIPE):c.1335C>T (p.Gly445=)

Genes: LIPE (lipase E, hormone sensitive type; minus strand), LIPE-AS1 (LIPE antisense RNA 1; plus strand). Cytogenetic location: 19q13.2.
Variant type: single nucleotide variant.
Coding change: c.1335C>T on transcript NM_005357.4 (MANE Select); coding-DNA position 1335, C replaced by T.
Protein change: p.Gly445=; no amino-acid change (glycine 445 retained).
Molecular consequence: synonymous variant. On other transcripts: 5 prime UTR variant (1), intron variant (1).
Genome position (GRCh38, 1-based): chr19:42,410,391, G>A on the plus strand (C>T on the coding strand, the complement: LIPE is on the minus strand). VCF-style: chr19-42410391-G-A. GRCh37 (hg19) VCF-style: chr19-42914543-G-A.
Other names: NC_000019.9:g.42914543G>A; c.570C>T, p.Gly190= (NM_001416100.1, NM_001416101.1, NM_001416105.1); c.465C>T, p.Gly155= (NM_001416102.1, NM_001416106.1); c.432C>T, p.Gly144= (NM_001416103.1, NM_001416104.1); c.-465C>T (NM_001416108.1); c.61-2069C>T (NM_001416107.1).
Identifiers: ClinVar variation 3538475 (VCV003538475.9).